The following is an entry in ClinVar:

NM_001170700.3(DTHD1):c.2689C>A (p.Pro897Thr)

Gene: DTHD1 (death domain containing 1; plus strand). Cytogenetic location: 4p14.
Variant type: single nucleotide variant.
Coding change: c.2689C>A on transcript NM_001170700.3 (MANE Select); coding-DNA position 2689, C replaced by A.
Protein change: p.Pro897Thr; replaces proline 897 with threonine.
Molecular consequence: missense variant. On other transcripts: non-coding transcript variant (2).
Genome position (GRCh38, 1-based): chr4:36,343,792, C>A. VCF-style: chr4-36343792-C-A. GRCh37 (hg19) VCF-style: chr4-36345414-C-A.
Other names: c.1819C>A, p.Pro607Thr (NM_001136536.5); c.1698C>A, p.Asn566Lys (NM_001378435.1); short protein forms N566K, P607T, P897T.
Identifiers: ClinVar variation 3702629 (VCV003702629.2).

ClinVar aggregate classification (germline): Uncertain significance (1 of 4 stars; one submission).

Submission:

Labcorp Genetics (formerly Invitae), Labcorp
Classification: Uncertain significance. Last evaluated: 2024-05-06. Review status: criteria provided, single submitter. Criteria: Invitae Variant Classification Sherloc (09022015). Collection method: clinical testing. Allele origin: germline.
Comment: This sequence change replaces proline, which is neutral and non-polar, with threonine, which is neutral and polar, at codon 607 of the DTHD1 protein (p.Pro607Thr). This variant is not present in population databases (gnomAD no frequency). This variant has not been reported in the literature in individuals affected with DTHD1-related conditions. An algorithm developed to predict the effect of missense changes on protein structure and function (PolyPhen-2) suggests that this variant is likely to be disruptive. In summary, the available evidence is currently insufficient to determine the role of this variant in disease. Therefore, it has been classified as a Variant of Uncertain Significance.